The following is an entry in ClinVar:

NM_020812.4(DOCK6):c.3343A>G (p.Thr1115Ala)

Gene: DOCK6 (dedicator of cytokinesis 6; minus strand). Cytogenetic location: 19p13.2.
Variant type: single nucleotide variant.
Coding change: c.3343A>G on transcript NM_020812.4 (MANE Select); coding-DNA position 3343, A replaced by G.
Protein change: p.Thr1115Ala; replaces threonine 1115 with alanine.
Molecular consequence: missense variant.
Genome position (GRCh38, 1-based): chr19:11,222,146, T>C on the plus strand (A>G on the coding strand, the complement: DOCK6 is on the minus strand). VCF-style: chr19-11222146-T-C. GRCh37 (hg19) VCF-style: chr19-11332822-T-C.
Other names: c.3448A>G, p.Thr1150Ala (NM_001367830.1); c.3343A>G (NM_020812.2); short protein forms T1115A, T1150A.
Identifiers: ClinVar variation 730994 (VCV000730994.12), dbSNP rs201175495, ClinGen allele CA9207290.

ClinVar aggregate classification (germline): Likely benign. Review status: criteria provided, multiple submitters, no conflicts (2 of 4 stars). 3 submissions from 3 submitters: Likely benign (2). 1 of the submissions does not count toward it. Last evaluated 2026-01-14.

Conditions:
DOCK6-related disorder. Also called: DOCK6-related condition.
Inborn genetic diseases. Identifiers: MedGen C0950123, MeSH D030342.

Allele frequency attached by ClinVar (database versions not stated): gnomAD exomes 0.00008 and 0.00021; ExAC 0.00028; 1000 Genomes Project 0.00060; gnomAD 0.00063 and 0.00072; TOPMed 0.00074; 1000 Genomes Project 30x 0.00078; ESP Exome Variant Server 0.00088.
gnomAD v4.1: 218 of 1,612,848 alleles (0.014%); highest among the groups gnomAD compares: African/African-American, 0.23%; no homozygotes.

Submissions (3):

Labcorp Genetics (formerly Invitae), Labcorp
Classification: Likely benign. Last evaluated: 2026-01-14. Review status: criteria provided, single submitter. Criteria: Invitae Variant Classification Sherloc (09022015). Collection method: clinical testing. Allele origin: germline.

Ambry Genetics
Classification: Likely benign for Inborn genetic diseases. Last evaluated: 2025-08-06. Review status: criteria provided, single submitter. Criteria: Ambry Variant Classification Scheme 2023. Collection method: clinical testing. Allele origin: germline.

PreventionGenetics, part of Exact Sciences
Classification: Likely benign for DOCK6-related condition. Last evaluated: 2022-12-05. Review status: no assertion criteria provided. Collection method: clinical testing. Allele origin: germline. Not counted in ClinVar's aggregate classification.
Comment: This variant is classified as likely benign based on ACMG/AMP sequence variant interpretation guidelines (Richards et al. 2015 PMID: 25741868, with internal and published modifications).